The following is an entry in ClinVar:

ClinVar aggregate classification (germline): Uncertain significance (1 of 4 stars; one submission).

Allele frequency attached by ClinVar (database versions not stated): gnomAD exomes below 0.00001; TOPMed 0.00001.

Submission:

Labcorp Genetics (formerly Invitae), Labcorp
Classification: Uncertain significance. Last evaluated: 2020-01-28. Review status: criteria provided, single submitter. Criteria: Invitae Variant Classification Sherloc (09022015). Collection method: clinical testing. Allele origin: germline.
Comment: In summary, the available evidence is currently insufficient to determine the role of this variant in disease. Therefore, it has been classified as a Variant of Uncertain Significance. Algorithms developed to predict the effect of missense changes on protein structure and function output the following: SIFT: "Tolerated"; PolyPhen-2: "Benign"; Align-GVGD: "Class C0". The threonine amino acid residue is found in multiple mammalian species, suggesting that this missense change does not adversely affect protein function. These predictions have not been confirmed by published functional studies and their clinical significance is uncertain. This variant has not been reported in the literature in individuals with SZT2-related conditions. This variant is not present in population databases (ExAC no frequency). This sequence change replaces alanine with threonine at codon 1467 of the SZT2 protein (p.Ala1467Thr). The alanine residue is highly conserved and there is a small physicochemical difference between alanine and threonine.

NM_001365999.1(SZT2):c.4570G>A (p.Ala1524Thr)

Gene: SZT2 (SZT2 subunit of KICSTOR complex; plus strand). Cytogenetic location: 1p34.2.
Variant type: single nucleotide variant.
Coding change: c.4570G>A on transcript NM_001365999.1 (MANE Select); coding-DNA position 4570, G replaced by A.
Protein change: p.Ala1524Thr; replaces alanine 1524 with threonine.
Molecular consequence: missense variant.
Genome position (GRCh38, 1-based): chr1:43,430,585, G>A. VCF-style: chr1-43430585-G-A. GRCh37 (hg19) VCF-style: chr1-43896256-G-A.
Other names: c.4399G>A, p.Ala1467Thr (NM_015284.4); short protein forms A1524T, A1467T.
Identifiers: ClinVar variation 1047611 (VCV001047611.9), dbSNP rs1463960766, ClinGen allele CA340022011.